The following is an entry in ClinVar:

ClinVar aggregate classification (germline): Likely pathogenic (1 of 4 stars; one submission).

Submission:

GeneDx
Classification: Likely pathogenic. Last evaluated: 2025-07-22. Review status: criteria provided, single submitter. Criteria: GeneDx Variant Classification Process June 2021. Collection method: clinical testing. Allele origin: germline. Affected: yes.
Comment: Not observed at significant frequency in large population cohorts (gnomAD); In silico analysis supports that this missense variant has a deleterious effect on protein structure/function; Missense variants in this gene are a common cause of disease and they are underrepresented in the general population; Has not been previously published as pathogenic or benign germline variant to our knowledge; This variant is associated with the following publications: (PMID: 29493581, 38783148)

NM_005633.4(SOS1):c.253T>A (p.Trp85Arg)

Gene: SOS1 (SOS Ras/Rac guanine nucleotide exchange factor 1; minus strand). Cytogenetic location: 2p22.1.
Variant type: single nucleotide variant.
Coding change: c.253T>A on transcript NM_005633.4 (MANE Select); coding-DNA position 253, T replaced by A.
Protein change: p.Trp85Arg; replaces tryptophan 85 with arginine.
Molecular consequence: missense variant.
Genome position (GRCh38, 1-based): chr2:39,058,765, A>T on the plus strand (T>A on the coding strand, the complement: SOS1 is on the minus strand). VCF-style: chr2-39058765-A-T. GRCh37 (hg19) VCF-style: chr2-39285906-A-T.
Other names: p.W85R:TGG>AGG; c.232T>A, p.Trp78Arg (NM_001382394.1); c.253T>A, p.Trp85Arg (NM_001382395.1); short protein forms W85R, W78R.
Identifiers: ClinVar variation 40647 (VCV000040647.3), dbSNP rs730881054, ClinGen allele CA297298.